The following is an entry in ClinVar:

ClinVar aggregate classification (germline): Uncertain significance (1 of 4 stars; one submission).

Conditions:
Hereditary diffuse gastric adenocarcinoma (HDGC). Also called: DIFFUSE GASTRIC AND LOBULAR BREAST CANCER SYNDROME. Identifiers: Orphanet 26106, MedGen C1708349, MONDO:0007648, OMIM 137215.

Submission:

Labcorp Genetics (formerly Invitae), Labcorp
Classification: Uncertain significance for Hereditary diffuse gastric adenocarcinoma. Last evaluated: 2022-07-21. Review status: criteria provided, single submitter. Criteria: Invitae Variant Classification Sherloc (09022015). Collection method: clinical testing. Allele origin: germline.
Comment: In summary, the available evidence is currently insufficient to determine the role of this variant in disease. Therefore, it has been classified as a Variant of Uncertain Significance. This sequence change replaces phenylalanine, which is neutral and non-polar, with tyrosine, which is neutral and polar, at codon 231 of the CDH1 protein (p.Phe231Tyr). This variant is not present in population databases (gnomAD no frequency). This variant has not been reported in the literature in individuals affected with CDH1-related conditions. Algorithms developed to predict the effect of missense changes on protein structure and function output the following: SIFT: "Tolerated"; PolyPhen-2: "Benign"; Align-GVGD: "Class C0". The tyrosine amino acid residue is found in multiple mammalian species, which suggests that this missense change does not adversely affect protein function.

NM_004360.5(CDH1):c.692T>A (p.Phe231Tyr)

Gene: CDH1 (cadherin 1; plus strand). Cytogenetic location: 16q22.1.
Variant type: single nucleotide variant.
Coding change: c.692T>A on transcript NM_004360.5 (MANE Select); coding-DNA position 692, T replaced by A.
Protein change: p.Phe231Tyr; replaces phenylalanine 231 with tyrosine.
Molecular consequence: missense variant. On other transcripts: 5 prime UTR variant (2).
Genome position (GRCh38, 1-based): chr16:68,810,201, T>A. VCF-style: chr16-68810201-T-A. GRCh37 (hg19) VCF-style: chr16-68844104-T-A.
Other names: c.692T>A, p.Phe231Tyr (NM_001317184.2); c.-924T>A (NM_001317185.2); c.-1128T>A (NM_001317186.2); short protein forms F231Y.
Identifiers: ClinVar variation 1721529 (VCV001721529.6), dbSNP rs2152130989, ClinGen allele CA396458368.
Genomic context (GRCh38, chr16:68,810,201, plus strand): 5'-TCTCCCATGTTTTCTTCCTCATCAGAGCTCAAGTCACCCTCACTTGGTTCTTTCAGCTCT[T>A]CTCTCACGCTGTGTCATCCAACGGGAATGCAGTTGAGGATCCAATGGAGATTTTGATCAC-3'
Protein context (NP_004351.1, residues 221-241): DRERIATYTL[Phe231Tyr]SHAVSSNGNA